The following is an entry in ClinVar:

NM_005909.5(MAP1B):c.1400C>T (p.Thr467Ile)

Gene: MAP1B (microtubule associated protein 1B; plus strand). Cytogenetic location: 5q13.2.
Variant type: single nucleotide variant.
Coding change: c.1400C>T on transcript NM_005909.5 (MANE Select); coding-DNA position 1400, C replaced by T.
Protein change: p.Thr467Ile; replaces threonine 467 with isoleucine.
Molecular consequence: missense variant.
Genome position (GRCh38, 1-based): chr5:72,194,755, C>T. VCF-style: chr5-72194755-C-T. GRCh37 (hg19) VCF-style: chr5-71490582-C-T.
Other names: c.1022C>T, p.Thr341Ile (NM_001324255.2); short protein forms T341I, T467I.
Identifiers: ClinVar variation 4886742 (VCV004886742.2).

ClinVar aggregate classification (germline): Uncertain significance (1 of 4 stars; one submission).

gnomAD v4.1: 2 of 1,614,188 alleles (0.00012%); highest among the groups gnomAD compares: Admixed American, 0.0033%; no homozygotes.

Submission:

Dasa
Classification: Uncertain significance. Last evaluated: 2026-03-30. Review status: criteria provided, single submitter. Criteria: DASA Assertion Criteria. Collection method: clinical testing. Allele origin: germline.
Comment: NM_005909.5(MAP1B):c.1400C>T (p.Thr467Ile) is a missense variant that results in the substitution of threonine with isoleucine. This variant is rare in population databases. The currently available literature and clinical evidence are not sufficient to establish a definitive association between this variant and the reported condition. Therefore, this variant is classified as a variant of uncertain significance.